The following is an entry in ClinVar:

NM_001247997.2(CLIP1):c.3789C>T (p.Asn1263=)

Gene: CLIP1 (CAP-Gly domain containing linker protein 1; minus strand). Cytogenetic location: 12q24.31.
Variant type: single nucleotide variant.
Coding change: c.3789C>T on transcript NM_001247997.2 (MANE Select); coding-DNA position 3789, C replaced by T.
Protein change: p.Asn1263=; no amino-acid change (asparagine 1263 retained).
Molecular consequence: synonymous variant.
Genome position (GRCh38, 1-based): chr12:122,278,919, G>A on the plus strand (C>T on the coding strand, the complement: CLIP1 is on the minus strand). VCF-style: chr12-122278919-G-A. GRCh37 (hg19) VCF-style: chr12-122763466-G-A.
Other names: c.5919C>T, p.Asn1973= (NM_001389291.1); c.3756C>T, p.Asn1252= (NM_002956.3); c.3651C>T, p.Asn1217= (NM_198240.3).
Identifiers: ClinVar variation 3040274 (VCV003040274.2), dbSNP rs148653401, ClinGen allele CA6844946.
Genomic context (GRCh38, chr12:122,278,919, plus strand): 5'-GAGCTTCACCTTATCAGACTCTAGAGTCTGAACAACTGAATGCAAGGACTTGGCAGAGGC[G>A]TTTTCTCCCCTGAGCACTGTGACCTGAAACACAGTTGTTTAGCTTAGGCTGAGGGTTTGA-3'
Protein context (NP_001234926.1, residues 1253-1273): RNEVTVLRGE[Asn1263=]ASAKSLHSVV

ClinVar aggregate classification (germline): Likely benign (0 of 4 stars; one submission).

Conditions:
CLIP1-related disorder. Also called: CLIP1-related condition.

Allele frequency attached by ClinVar (database versions not stated): gnomAD exomes 0.00004; ExAC 0.00009; gnomAD 0.00023; TOPMed 0.00024; 1000 Genomes Project 0.00040; ESP Exome Variant Server 0.00046; 1000 Genomes Project 30x 0.00047.
gnomAD v4.1: 99 of 1,611,216 alleles (0.0061%); highest among the groups gnomAD compares: African/African-American, 0.075%; no homozygotes.

Submission:

PreventionGenetics, part of Exact Sciences
Classification: Likely benign for CLIP1-related condition. Last evaluated: 2019-09-11. Review status: no assertion criteria provided. Collection method: clinical testing. Allele origin: germline.
Comment: This variant is classified as likely benign based on ACMG/AMP sequence variant interpretation guidelines (Richards et al. 2015 PMID: 25741868, with internal and published modifications).